The following is an entry in ClinVar:

ClinVar aggregate classification (germline): Uncertain significance (1 of 4 stars; one submission).

Conditions:
TMEM94-related disorder. Also called: TMEM94-related condition.

Allele frequency attached by ClinVar (database versions not stated): gnomAD exomes 0.00003; TOPMed 0.00007; ExAC 0.00012.
gnomAD v4.1: 46 of 1,613,762 alleles (0.0029%); highest among the groups gnomAD compares: Middle Eastern, 0.066%; 1 homozygote.

Submission:

PreventionGenetics, part of Exact Sciences
Classification: Uncertain significance for TMEM94-related condition. Last evaluated: 2025-01-03. Review status: criteria provided, single submitter. Criteria: ACMG Guidelines, 2015. Collection method: clinical testing. Allele origin: germline.
Comment: The TMEM94 c.3185C>T variant is predicted to result in the amino acid substitution p.Pro1062Leu. To our knowledge, this variant has not been reported in the literature. This variant is reported in 0.090% of alleles in individuals of Latino descent in gnomAD, which may be too common to be an unreported disease-causing variant. Although we suspect that this variant may be benign, at this time, the clinical significance of this variant is uncertain due to the absence of conclusive functional and genetic evidence.

NM_014738.6(TMEM94):c.3185C>T (p.Pro1062Leu)

Gene: TMEM94 (transmembrane protein 94; plus strand). Cytogenetic location: 17q25.1.
Variant type: single nucleotide variant.
Coding change: c.3185C>T on transcript NM_014738.6 (MANE Select); coding-DNA position 3185, C replaced by T.
Protein change: p.Pro1062Leu; replaces proline 1062 with leucine.
Molecular consequence: missense variant.
Genome position (GRCh38, 1-based): chr17:75,496,413, C>T. VCF-style: chr17-75496413-C-T. GRCh37 (hg19) VCF-style: chr17-73492494-C-T.
Other names: c.3215C>T, p.Pro1072Leu (NM_001321148.2); c.3197C>T, p.Pro1066Leu (NM_001321149.2); c.3137C>T, p.Pro1046Leu (NM_001351202.2); c.3212C>T, p.Pro1071Leu (NM_001351203.2); short protein forms P1046L, P1062L, P1066L, P1071L, P1072L.
Identifiers: ClinVar variation 2634367 (VCV002634367.2), dbSNP rs764262657, ClinGen allele CA8762403.